The following is an entry in ClinVar:

NM_000384.3(APOB):c.6063C>A (p.Asp2021Glu)

Gene: APOB (apolipoprotein B; minus strand). Cytogenetic location: 2p24.1.
Variant type: single nucleotide variant.
Coding change: c.6063C>A on transcript NM_000384.3 (MANE Select); coding-DNA position 6063, C replaced by A.
Protein change: p.Asp2021Glu; replaces aspartic acid 2021 with glutamic acid.
Molecular consequence: missense variant.
Genome position (GRCh38, 1-based): chr2:21,010,805, G>T on the plus strand (C>A on the coding strand, the complement: APOB is on the minus strand). VCF-style: chr2-21010805-G-T. GRCh37 (hg19) VCF-style: chr2-21233677-G-T.
Other names: short protein forms D2021E.
Identifiers: ClinVar variation 3417036 (VCV003417036.2).

ClinVar aggregate classification (germline): Uncertain significance (1 of 4 stars; one submission).

Conditions:
Cardiovascular phenotype. Identifiers: MedGen CN230736.

gnomAD v4.1: 1 of 1,614,154 alleles (0.000062%); highest among the groups gnomAD compares: Non-Finnish European, 0.000085%; no homozygotes.

Submission:

Ambry Genetics
Classification: Uncertain significance for Cardiovascular phenotype. Last evaluated: 2026-09-11. Review status: criteria provided, single submitter. Criteria: Ambry Variant Classification Scheme 2023. Collection method: clinical testing. Allele origin: germline.
Comment: The p.D2021E variant (also known as c.6063C>A), located in coding exon 26 of the APOB gene, results from a C to A substitution at nucleotide position 6063. The aspartic acid at codon 2021 is replaced by glutamic acid, an amino acid with highly similar properties. This amino acid position is conserved. In addition, this alteration is predicted to be tolerated by in silico analysis. Based on the available evidence, the clinical significance of this variant remains unclear.